The following is an entry in ClinVar:

ClinVar aggregate classification (germline): Conflicting classifications of pathogenicity. Review status: criteria provided, conflicting classifications (1 of 4 stars). 5 submissions from 5 submitters: Uncertain significance (3); Likely benign (2). Last evaluated 2026-06-29.

Conditions:
Cardiovascular phenotype. Identifiers: MedGen CN230736.
ZNF469-related disorder. Also called: ZNF469-related condition.

Allele frequency attached by ClinVar (database versions not stated): gnomAD exomes 0.00004 and 0.00011; ExAC 0.00015; 1000 Genomes Project 30x 0.00031; gnomAD 0.00054 and 0.00057; TOPMed 0.00063.
gnomAD v4.1: 151 of 1,549,680 alleles (0.0097%); highest among the groups gnomAD compares: African/African-American, 0.17%; 1 homozygote.

Submissions (5):

PreventionGenetics, part of Exact Sciences
Classification: Likely benign for ZNF469-related condition. Last evaluated: 2026-06-29. Review status: criteria provided, single submitter. Criteria: ACMG Guidelines, 2015. Collection method: clinical testing. Allele origin: germline.
Comment: This variant is classified as likely benign based on ACMG/AMP sequence variant interpretation guidelines (Richards et al. 2015 PMID: 25741868, with internal and published modifications).

Women's Health and Genetics/Laboratory Corporation of America, LabCorp
Classification: Uncertain significance. Last evaluated: 2026-04-07. Review status: criteria provided, single submitter. Criteria: LabCorp Variant Classification Summary - May 2015. Collection method: clinical testing. Allele origin: germline.

Labcorp Genetics (formerly Invitae), Labcorp
Classification: Uncertain significance. Last evaluated: 2025-01-23. Review status: criteria provided, single submitter. Criteria: Invitae Variant Classification Sherloc (09022015). Collection method: clinical testing. Allele origin: germline.
Comment: This sequence change replaces aspartic acid, which is acidic and polar, with glycine, which is neutral and non-polar, at codon 2081 of the ZNF469 protein (p.Asp2081Gly). This variant is present in population databases (rs755640019, gnomAD 0.2%). This variant has not been reported in the literature in individuals affected with ZNF469-related conditions. ClinVar contains an entry for this variant (Variation ID: 1197560). An algorithm developed to predict the effect of missense changes on protein structure and function outputs the following: PolyPhen-2: "Benign". The glycine amino acid residue is found in multiple mammalian species, which suggests that this missense change does not adversely affect protein function. In summary, the available evidence is currently insufficient to determine the role of this variant in disease. Therefore, it has been classified as a Variant of Uncertain Significance.

GeneDx
Classification: Uncertain significance. Last evaluated: 2024-06-18. Review status: criteria provided, single submitter. Criteria: GeneDx Variant Classification Process June 2021. Collection method: clinical testing. Allele origin: germline. Affected: yes.
Comment: In silico analysis indicates that this missense variant does not alter protein structure/function; Has not been previously published as pathogenic or benign to our knowledge

Ambry Genetics
Classification: Likely benign for Cardiovascular phenotype. Last evaluated: 2022-10-12. Review status: criteria provided, single submitter. Criteria: Ambry Variant Classification Scheme 2023. Collection method: clinical testing. Allele origin: germline.

NM_001367624.2(ZNF469):c.6326A>G (p.Asp2109Gly)

Gene: ZNF469 (zinc finger protein 469; plus strand). Cytogenetic location: 16q24.2.
Variant type: single nucleotide variant.
Coding change: c.6326A>G on transcript NM_001367624.2 (MANE Select); coding-DNA position 6326, A replaced by G.
Protein change: p.Asp2109Gly; replaces aspartic acid 2109 with glycine.
Molecular consequence: missense variant.
Genome position (GRCh38, 1-based): chr16:88,433,796, A>G. VCF-style: chr16-88433796-A-G. GRCh37 (hg19) VCF-style: chr16-88500204-A-G.
Other names: NM_001127464.1:c.6242A>G; NM_001127464.2:c.6242A>G; short protein forms D2109G.
Identifiers: ClinVar variation 1197560 (VCV001197560.13), dbSNP rs755640019, ClinGen allele CA8225142.